The following is an entry in ClinVar:

ClinVar aggregate classification (germline): Uncertain significance. Review status: criteria provided, multiple submitters, no conflicts (2 of 4 stars). 2 submissions from 2 submitters: Uncertain significance (2). Last evaluated 2026-04-11.

Conditions:
Drash syndrome (DDS). Also called: NEPHROPATHY, WILMS TUMOR, AND GENITAL ANOMALIES; WILMS TUMOR AND PSEUDO- OR TRUE HERMAPHRODITISM. Identifiers: Orphanet 220, MedGen C0950121, MONDO:0008682, OMIM 194080.
Frasier syndrome. Identifiers: Orphanet 347, MedGen C0950122, MeSH D052159, MONDO:0007635, OMIM 136680.
Wilms tumor 1 (WT1). Also called: Wilms tumor, somatic. Identifiers: Orphanet 654, MedGen CN033288, MONDO:0008679, OMIM 194070.
11p partial monosomy syndrome (WAGR). Also called: CHROMOSOME 11p13 DELETION SYNDROME; WAGR syndrome; WAGR Complex; WAGR Spectrum Disorder. Identifiers: Orphanet 893, MedGen C0206115, MONDO:0008681, OMIM 194072.
Inborn genetic diseases. Identifiers: MedGen C0950123, MeSH D030342.

Submissions (2):

Ambry Genetics
Classification: Uncertain significance for Inborn genetic diseases. Last evaluated: 2026-04-11. Review status: criteria provided, single submitter. Criteria: Ambry Variant Classification Scheme 2023. Collection method: clinical testing. Allele origin: germline.
Comment: The p.M250I variant (also known as c.750G>C), located in coding exon 2 of the WT1 gene, results from a G to C substitution at nucleotide position 750. The methionine at codon 250 is replaced by isoleucine, an amino acid with highly similar properties. This amino acid position is conserved. In addition, this alteration is predicted to be tolerated by in silico analysis. Based on the available evidence, the clinical significance of this variant remains unclear.

Labcorp Genetics (formerly Invitae), Labcorp
Classification: Uncertain significance for Wilms tumor 1; Drash syndrome; 11p partial monosomy syndrome; Frasier syndrome. Last evaluated: 2020-11-05. Review status: criteria provided, single submitter. Criteria: Invitae Variant Classification Sherloc (09022015). Collection method: clinical testing. Allele origin: germline.
Comment: This variant has not been reported in the literature in individuals with WT1-related conditions. In summary, the available evidence is currently insufficient to determine the role of this variant in disease. Therefore, it has been classified as a Variant of Uncertain Significance. Algorithms developed to predict the effect of missense changes on protein structure and function output the following: SIFT: "Tolerated"; PolyPhen-2: "Benign"; Align-GVGD: "Class C0". The isoleucine amino acid residue is found in multiple mammalian species, suggesting that this missense change does not adversely affect protein function. These predictions have not been confirmed by published functional studies and their clinical significance is uncertain. This variant is not present in population databases (ExAC no frequency). This sequence change replaces methionine with isoleucine at codon 250 of the WT1 protein (p.Met250Ile). The methionine residue is highly conserved and there is a small physicochemical difference between methionine and isoleucine.

NM_024426.6(WT1):c.765G>C (p.Met255Ile)

Gene: WT1 (WT1 transcription factor; minus strand). Cytogenetic location: 11p13.
Variant type: single nucleotide variant.
Coding change: c.765G>C on transcript NM_024426.6 (MANE Select); coding-DNA position 765, G replaced by C.
Protein change: p.Met255Ile; replaces methionine 255 with isoleucine.
Molecular consequence: missense variant. On other transcripts: non-coding transcript variant (1).
Genome position (GRCh38, 1-based): chr11:32,428,516, C>G on the plus strand (G>C on the coding strand, the complement: WT1 is on the minus strand). VCF-style: chr11-32428516-C-G. GRCh37 (hg19) VCF-style: chr11-32450062-C-G.
Other names: c.765G>C, p.Met255Ile (NM_000378.6, NM_001407044.1, NM_001407045.1 and 4 more transcripts); c.114G>C, p.Met38Ile (NM_001198551.2, NM_001198552.2); c.3G>C, p.Met1Ile (NM_001407051.1); c.750G>C, p.Met250Ile (NM_024425.2); c.750G>C (NM_024426.4); short protein forms M38I, M255I, M1I, M250I.
Identifiers: ClinVar variation 1520572 (VCV001520572.10), dbSNP rs1060501255, ClinGen allele CA379963292.